The following is an entry in ClinVar:

ClinVar aggregate classification (germline): Likely benign. Review status: criteria provided, multiple submitters, no conflicts (2 of 4 stars). 3 submissions from 3 submitters: Likely benign (3). Last evaluated 2025-07-29.

Conditions:
Cardiovascular phenotype. Identifiers: MedGen CN230736.
Brugada syndrome. Also called: Sudden unexpected nocturnal death syndrome; Sudden unexplained nocturnal death syndrome; Sudden Unexplained Death Syndrome; Sudden Unexplained Nocturnal Death Syndrome (SUNDS). Identifiers: Orphanet 130, MedGen C1142166, MONDO:0015263.

Allele frequency attached by ClinVar (database versions not stated): gnomAD exomes below 0.00001; gnomAD 0.00002; TOPMed 0.00002.
gnomAD v4.1: 5 of 1,614,104 alleles (0.00031%); highest among the groups gnomAD compares: African/African-American, 0.0053%; no homozygotes.

Submissions (3):

Mayo Clinic Laboratories, Mayo Clinic
Classification: Likely benign. Last evaluated: 2025-07-29. Review status: criteria provided, single submitter. Criteria: ACMG Guidelines, 2015. Collection method: clinical testing. Allele origin: germline. Observed: 1 variant allele.
Comment: BP4, BP5, BP7

Labcorp Genetics (formerly Invitae), Labcorp
Classification: Likely benign for Brugada syndrome. Last evaluated: 2024-08-11. Review status: criteria provided, single submitter. Criteria: Invitae Variant Classification Sherloc (09022015). Collection method: clinical testing. Allele origin: germline.

Ambry Genetics
Classification: Likely benign for Cardiovascular phenotype. Last evaluated: 2019-12-13. Review status: criteria provided, single submitter. Criteria: Ambry Variant Classification Scheme 2023. Collection method: clinical testing. Allele origin: germline.

NM_006514.4(SCN10A):c.2352G>T (p.Val784=)

Gene: SCN10A (sodium voltage-gated channel alpha subunit 10; minus strand). Cytogenetic location: 3p22.2.
Variant type: single nucleotide variant.
Coding change: c.2352G>T on transcript NM_006514.4 (MANE Select); coding-DNA position 2352, G replaced by T.
Protein change: p.Val784=; no amino-acid change (valine 784 retained).
Molecular consequence: synonymous variant.
Genome position (GRCh38, 1-based): chr3:38,728,830, C>A on the plus strand (G>T on the coding strand, the complement: SCN10A is on the minus strand). VCF-style: chr3-38728830-C-A. GRCh37 (hg19) VCF-style: chr3-38770321-C-A.
Other names: p.Val784=; c.2352G>T, p.Val784= (NM_001293306.2); c.2058G>T, p.Val686= (NM_001293307.2); c.2352G>T (NM_006514.3).
Identifiers: ClinVar variation 1790035 (VCV001790035.5), dbSNP rs1281239633, ClinGen allele CA433334532.
Genomic context (GRCh38, chr3:38,728,830, plus strand): 5'-AACCAGAGCAAAGACAAAGACAATGATGGCCAGGATGATGGTGAGGTTCCCCAGTGCCCC[C>A]ACTGAGTTTCCGATGATCTTGATGAGTGTGTTTAAGGTGGGCCAGGATTTGGCCAGCTTG-3'
Protein context (NP_006505.4, residues 774-794): NTLIKIIGNS[Val784=]GALGNLTIIL